The following is an entry in ClinVar:

ClinVar aggregate classification (germline): Uncertain significance. Review status: criteria provided, multiple submitters, no conflicts (2 of 4 stars). 2 submissions from 2 submitters: Uncertain significance (2). Last evaluated 2026-06-15.

Conditions:
Coffin-Lowry syndrome (CLS). Also called: Mental retardation with osteocartilaginous abnormalities; COFFIN-LOWRY SYNDROME, MILD. Identifiers: Orphanet 192, MedGen C0265252, MONDO:0010561, OMIM 303600.
Intellectual developmental disorder, X-linked 19. Also called: Intellectual disability, X-linked 19. Identifiers: Orphanet 777, MedGen C0796225, MONDO:0010447, OMIM 300844.
Inborn genetic diseases. Identifiers: MedGen C0950123, MeSH D030342.

gnomAD v4.1: 1 of 1,203,682 alleles (0.000083%); highest among the groups gnomAD compares: Non-Finnish European, 0.00011%; no homozygotes.

Submissions (4):

Ambry Genetics
Classification: Uncertain significance for Inborn genetic diseases. Last evaluated: 2026-06-15. Review status: criteria provided, single submitter. Criteria: Ambry Variant Classification Scheme 2023. Collection method: clinical testing. Allele origin: germline.

Labcorp Genetics (formerly Invitae), Labcorp
Classification: Uncertain significance for Coffin-Lowry syndrome; Intellectual developmental disorder, X-linked 19. Last evaluated: 2024-11-06. Review status: criteria provided, single submitter. Criteria: Invitae Variant Classification Sherloc (09022015). Collection method: clinical testing. Allele origin: germline.
Comment: This sequence change replaces threonine, which is neutral and polar, with alanine, which is neutral and non-polar, at codon 348 of the RPS6KA3 protein (p.Thr348Ala). This variant is not present in population databases (gnomAD no frequency). This variant has not been reported in the literature in individuals affected with RPS6KA3-related conditions. Invitae Evidence Modeling of protein sequence and biophysical properties (such as structural, functional, and spatial information, amino acid conservation, physicochemical variation, residue mobility, and thermodynamic stability) indicates that this missense variant is not expected to disrupt RPS6KA3 protein function with a negative predictive value of 95%. In summary, the available evidence is currently insufficient to determine the role of this variant in disease. Therefore, it has been classified as a Variant of Uncertain Significance.

Dr. Peter K. Rogan Lab, Western University
No classification provided (evidence only). Condition: Nonpapillary renal cell carcinoma. Review status: no classification provided. Collection method: in vitro. Allele origin: not applicable. Functional consequence: retained intron. Not counted in ClinVar's aggregate classification.

Dr. Peter K. Rogan Lab, Western University
No classification provided (evidence only). Condition: Nonpapillary renal cell carcinoma. Review status: no classification provided. Collection method: in vitro. Allele origin: not applicable. Functional consequence: retained intron. Not counted in ClinVar's aggregate classification.

NM_004586.3(RPS6KA3):c.1042A>G (p.Thr348Ala)

Gene: RPS6KA3 (ribosomal protein S6 kinase A3; minus strand). Cytogenetic location: Xp22.12.
Variant type: single nucleotide variant.
Coding change: c.1042A>G on transcript NM_004586.3 (MANE Select); coding-DNA position 1042, A replaced by G.
Protein change: p.Thr348Ala; replaces threonine 348 with alanine.
Molecular consequence: missense variant.
Genome position (GRCh38, 1-based): chrX:20,176,310, T>C on the plus strand (A>G on the coding strand, the complement: RPS6KA3 is on the minus strand). VCF-style: chrX-20176310-T-C. GRCh37 (hg19) VCF-style: chrX-20194428-T-C.
Other names: c.1042A>G (NM_004586.2); short protein forms T348A.
Identifiers: ClinVar variation 3760504 (VCV003760504.4).